The following is an entry in ClinVar:

NM_000459.5(TEK):c.3226C>T (p.Arg1076Trp)

Gene: TEK (TEK receptor tyrosine kinase; plus strand). Cytogenetic location: 9p21.2.
Variant type: single nucleotide variant.
Coding change: c.3226C>T on transcript NM_000459.5 (MANE Select); coding-DNA position 3226, C replaced by T.
Protein change: p.Arg1076Trp; replaces arginine 1076 with tryptophan.
Molecular consequence: missense variant.
Genome position (GRCh38, 1-based): chr9:27,228,231, C>T. VCF-style: chr9-27228231-C-T. GRCh37 (hg19) VCF-style: chr9-27228229-C-T.
Other names: c.3097C>T, p.Arg1033Trp (NM_001290077.2); c.2782C>T, p.Arg928Trp (NM_001290078.2); c.3223C>T, p.Arg1075Trp (NM_001375475.1); c.3094C>T, p.Arg1032Trp (NM_001375476.1); short protein forms R1032W, R1033W, R1075W, R1076W, R928W.
Identifiers: ClinVar variation 3600457 (VCV003600457.2).

ClinVar aggregate classification (germline): Uncertain significance. Review status: criteria provided, multiple submitters, no conflicts (2 of 4 stars). 2 submissions from 2 submitters: Uncertain significance (2). Last evaluated 2024-10-27.

Conditions:
Multiple cutaneous and mucosal venous malformations (VMCM). Also called: TEK-Related Multiple Cutaneous and Mucosal Venous Malformations (VMCM). Identifiers: Orphanet 2451, MedGen C1838437, MONDO:0010842, OMIM 600195.
Glaucoma 3, primary infantile, B. Also called: GLAUCOMA, PRIMARY CONGENITAL, TYPE B; GLC3B; GLC3 type B; Primary congenital glaucoma type 3B; Glaucoma primary congenita type 3B. Identifiers: Orphanet 98976, MedGen C1832977, MONDO:0010968, OMIM 600975.
Glaucoma 3, primary congenital, E (GLC3E). Identifiers: MedGen C4310639, MONDO:0014998, OMIM 617272.

gnomAD v4.1: 48 of 1,612,642 alleles (0.003%); highest among the groups gnomAD compares: African/African-American, 0.021%; no homozygotes.

Submissions (2):

Clinical Genomics Laboratory, Washington University in St. Louis
Classification: Uncertain significance for Multiple cutaneous and mucosal venous malformations. Last evaluated: 2024-10-27. Review status: criteria provided, single submitter. Criteria: ACMG Guidelines, 2015. Collection method: clinical testing. Allele origin: germline.
Comment: The TEK c.3226C>T (p.Arg1076Trp) variant was identified at a near heterozygous allelic fraction of 43.41%, a frequency that may be consistent with germline origin. This variant has been reported in the heterozygous state in one individual affected with angiosarcoma (Hagin D et al., PMID: 33215321). It is observed on 46/1,612,642 alleles in the general population (gnomAD v.4.1.0). Computational predictors indicate that the variant is damaging, evidence that correlates with impact to TIE2 function. Due to limited information and based on ACMG/AMP guidelines for variant interpretation (Richards S et al., PMID: 25741868), the clinical significance of this variant is uncertain at this time.

Department of Pathology and Laboratory Medicine, Sinai Health System
Classification: Uncertain significance for Multiple cutaneous and mucosal venous malformations; Glaucoma 3, primary infantile, B; Glaucoma 3, primary congenital, E. Last evaluated: 2020-06-14. Review status: criteria provided, single submitter. Criteria: ACMG Guidelines, 2015. Collection method: research. Allele origin: germline.